The following is an entry in ClinVar:

NM_000023.4(SGCA):c.804C>T (p.Ile268=)

Gene: SGCA (sarcoglycan alpha; plus strand). Cytogenetic location: 17q21.33.
Variant type: single nucleotide variant.
Coding change: c.804C>T on transcript NM_000023.4 (MANE Select); coding-DNA position 804, C replaced by T.
Protein change: p.Ile268=; no amino-acid change (isoleucine 268 retained).
Molecular consequence: synonymous variant. On other transcripts: intron variant (1).
Genome position (GRCh38, 1-based): chr17:50,170,199, C>T. VCF-style: chr17-50170199-C-T. GRCh37 (hg19) VCF-style: chr17-48247560-C-T.
Other names: c.585-441C>T (NM_001135697.3); c.804C>T (NM_000023.3).
Identifiers: ClinVar variation 1653809 (VCV001653809.10), dbSNP rs1905257217, ClinGen allele CA500829512.

ClinVar aggregate classification (germline): Likely benign. Review status: criteria provided, single submitter (1 of 4 stars). 2 submissions from 2 submitters: Likely benign (1). 1 of the submissions does not count toward it. Last evaluated 2022-03-08.

Conditions:
SGCA-related disorder. Also called: SGCA-related condition.
Autosomal recessive limb-girdle muscular dystrophy type 2D (LGMDR3). Also called: ADHALINOPATHY, PRIMARY; DUCHENNE-LIKE AUTOSOMAL RECESSIVE MUSCULAR DYSTROPHY, TYPE 2; MUSCULAR DYSTROPHY, LIMB-GIRDLE, AUTOSOMAL RECESSIVE 3. Identifiers: Orphanet 62, MedGen C2936332, MONDO:0011968, OMIM 608099. Disease mechanism: Affects gamma-sarcoglycan and also disrupts the integrity of the entire sarcoglycan complex..

Allele frequency attached by ClinVar (database versions not stated): TOPMed below 0.00001.

Submissions (2):

Labcorp Genetics (formerly Invitae), Labcorp
Classification: Likely benign for Autosomal recessive limb-girdle muscular dystrophy type 2D. Last evaluated: 2022-03-08. Review status: criteria provided, single submitter. Criteria: Invitae Variant Classification Sherloc (09022015). Collection method: clinical testing. Allele origin: germline.

PreventionGenetics, part of Exact Sciences
Classification: Likely benign for SGCA-related condition. Last evaluated: 2023-09-08. Review status: no assertion criteria provided. Collection method: clinical testing. Allele origin: germline. Not counted in ClinVar's aggregate classification.
Comment: This variant is classified as likely benign based on ACMG/AMP sequence variant interpretation guidelines (Richards et al. 2015 PMID: 25741868, with internal and published modifications).